The following is an entry in ClinVar:

ClinVar aggregate classification (germline): Uncertain significance (1 of 4 stars; one submission).

gnomAD v4.1: 10 of 1,614,158 alleles (0.00062%); highest among the groups gnomAD compares: Admixed American, 0.0017%; no homozygotes.

Submission:

GeneDx
Classification: Uncertain significance. Last evaluated: 2024-01-30. Review status: criteria provided, single submitter. Criteria: GeneDx Variant Classification Process June 2021. Collection method: clinical testing. Allele origin: germline.
Comment: Not observed at significant frequency in large population cohorts (gnomAD); In silico analysis supports that this missense variant does not alter protein structure/function; Has not been previously published as pathogenic or benign to our knowledge

NM_020338.4(ZMIZ1):c.2508C>A (p.Asp836Glu)

Gene: ZMIZ1 (zinc finger MIZ-type containing 1; plus strand). Cytogenetic location: 10q22.3.
Variant type: single nucleotide variant.
Coding change: c.2508C>A on transcript NM_020338.4 (MANE Select); coding-DNA position 2508, C replaced by A.
Protein change: p.Asp836Glu; replaces aspartic acid 836 with glutamic acid.
Molecular consequence: missense variant.
Genome position (GRCh38, 1-based): chr10:79,306,184, C>A. VCF-style: chr10-79306184-C-A. GRCh37 (hg19) VCF-style: chr10-81065941-C-A.
Other names: short protein forms D836E.
Identifiers: ClinVar variation 1703429 (VCV001703429.3), dbSNP rs755780886, ClinGen allele CA377342566.